The following is an entry in ClinVar:

ClinVar aggregate classification (germline): Uncertain significance (1 of 4 stars; one submission).

Conditions:
Autosomal dominant nocturnal frontal lobe epilepsy 5. Also called: CILIARY DYSKINESIA, PRIMARY, 28, WITHOUT SITUS INVERSUS; CILIARY DYSKINESIA, PRIMARY, 28, WITH SITUS INVERSUS; KCNT1-Related Epilepsy; Epilepsy, nocturnal frontal lobe, 5. Identifiers: Orphanet 98784, MedGen C3554306, MONDO:0014002, OMIM 615005.
Developmental and epileptic encephalopathy, 14 (DEE14). Also called: Early infantile epileptic encephalopathy 14. Identifiers: Orphanet 293181, MedGen C3554195, MONDO:0013989, OMIM 614959.

Submission:

Labcorp Genetics (formerly Invitae), Labcorp
Classification: Uncertain significance for Autosomal dominant nocturnal frontal lobe epilepsy 5; Developmental and epileptic encephalopathy, 14. Last evaluated: 2025-05-01. Review status: criteria provided, single submitter. Criteria: Invitae Variant Classification Sherloc (09022015). Collection method: clinical testing. Allele origin: germline.
Comment: This sequence change replaces proline, which is neutral and non-polar, with alanine, which is neutral and non-polar, at codon 423 of the KCNT1 protein (p.Pro423Ala). This variant is not present in population databases (gnomAD no frequency). This variant has not been reported in the literature in individuals affected with KCNT1-related conditions. Invitae Evidence Modeling of protein sequence and biophysical properties (such as structural, functional, and spatial information, amino acid conservation, physicochemical variation, residue mobility, and thermodynamic stability) has been performed for this missense variant. However, the output from this modeling did not meet the statistical confidence thresholds required to predict the impact of this variant on KCNT1 protein function. In summary, the available evidence is currently insufficient to determine the role of this variant in disease. Therefore, it has been classified as a Variant of Uncertain Significance.

NM_020822.3(KCNT1):c.1267C>G (p.Pro423Ala)

Gene: KCNT1 (potassium sodium-activated channel subfamily T member 1; plus strand). Cytogenetic location: 9q34.3.
Variant type: single nucleotide variant.
Coding change: c.1267C>G on transcript NM_020822.3 (MANE Select); coding-DNA position 1267, C replaced by G.
Protein change: p.Pro423Ala; replaces proline 423 with alanine.
Molecular consequence: missense variant.
Genome position (GRCh38, 1-based): chr9:135,765,690, C>G. VCF-style: chr9-135765690-C-G. GRCh37 (hg19) VCF-style: chr9-138657536-C-G.
Other names: c.1132C>G, p.Pro378Ala (NM_001272003.2); short protein forms P378A, P423A.
Identifiers: ClinVar variation 4782822 (VCV004782822.1).